The following is an entry in ClinVar:

ClinVar aggregate classification (germline): Uncertain significance. Review status: criteria provided, multiple submitters, no conflicts (2 of 4 stars). 2 submissions from 2 submitters: Uncertain significance (2). Last evaluated 2026-01-07.

Conditions:
Familial adenomatous polyposis 1 (FAP1). Also called: POLYPOSIS, ADENOMATOUS INTESTINAL; FAMILIAL ADENOMATOUS POLYPOSIS 1, ATTENUATED. Identifiers: MedGen C2713442, MONDO:0021056, OMIM 175100. Disease mechanism: loss of function.
Hereditary cancer-predisposing syndrome. Also called: Hereditary neoplastic syndrome; Neoplastic Syndromes, Hereditary; Tumor predisposition; Hereditary Cancer Syndrome. Identifiers: Orphanet 140162, MedGen C0027672, MeSH D009386, MONDO:0015356.

Allele frequency attached by ClinVar (database versions not stated): TOPMed 0.00001; ESP Exome Variant Server 0.00008.

Submissions (2):

Labcorp Genetics (formerly Invitae), Labcorp
Classification: Uncertain significance for Familial adenomatous polyposis 1. Last evaluated: 2026-01-07. Review status: criteria provided, single submitter. Criteria: Invitae Variant Classification Sherloc (09022015). Collection method: clinical testing. Allele origin: germline.
Comment: This sequence change replaces alanine, which is neutral and non-polar, with threonine, which is neutral and polar, at codon 2479 of the APC protein (p.Ala2479Thr). This variant is not present in population databases (gnomAD no frequency). This variant has not been reported in the literature in individuals affected with APC-related conditions. ClinVar contains an entry for this variant (Variation ID: 470092). Invitae Evidence Modeling of protein sequence and biophysical properties (such as structural, functional, and spatial information, amino acid conservation, physicochemical variation, residue mobility, and thermodynamic stability) indicates that this missense variant is not expected to disrupt APC protein function with a negative predictive value of 95%. In summary, the available evidence is currently insufficient to determine the role of this variant in disease. Therefore, it has been classified as a Variant of Uncertain Significance.

Ambry Genetics
Classification: Uncertain significance for Hereditary cancer-predisposing syndrome. Last evaluated: 2024-08-28. Review status: criteria provided, single submitter. Criteria: Ambry Variant Classification Scheme 2023. Collection method: clinical testing. Allele origin: germline.
Comment: The p.A2479T variant (also known as c.7435G>A), located in coding exon 15 of the APC gene, results from a G to A substitution at nucleotide position 7435. The alanine at codon 2479 is replaced by threonine, an amino acid with similar properties. This amino acid position is conserved. In addition, in silico predictors for this gene do not accurately predict pathogenicity. Based on the available evidence, the clinical significance of this variant remains unclear.

NM_000038.6(APC):c.7435G>A (p.Ala2479Thr)

Gene: APC (APC regulator of Wnt signaling pathway; plus strand). Cytogenetic location: 5q22.2.
Variant type: single nucleotide variant.
Coding change: c.7435G>A on transcript NM_000038.6 (MANE Select); coding-DNA position 7435, G replaced by A.
Protein change: p.Ala2479Thr; replaces alanine 2479 with threonine.
Molecular consequence: missense variant.
Genome position (GRCh38, 1-based): chr5:112,843,029, G>A. VCF-style: chr5-112843029-G-A. GRCh37 (hg19) VCF-style: chr5-112178726-G-A.
Other names: c.7435G>A, p.Ala2479Thr (NM_001127510.3, NM_001354895.2); c.7381G>A, p.Ala2461Thr (NM_001127511.3); c.7489G>A, p.Ala2497Thr (NM_001354896.2); c.7465G>A, p.Ala2489Thr (NM_001354897.2); c.7360G>A, p.Ala2454Thr (NM_001354898.2); c.7351G>A, p.Ala2451Thr (NM_001354899.2); c.7312G>A, p.Ala2438Thr (NM_001354900.2); c.7258G>A, p.Ala2420Thr (NM_001354901.2); and 5 more; short protein forms A2461T, A2479T, A2353T, A2420T, A2438T, A2497T, A2454T, A2489T.
Identifiers: ClinVar variation 470092 (VCV000470092.13), dbSNP rs369365383, ClinGen allele CA16037510.
Genomic context (GRCh38, chr5:112,843,029, plus strand): 5'-TCTGCTTCATTTGAATCTCTTTCTCCATCATCTAGACCAGCTTCTCCCACTAGGTCCCAG[G>A]CACAAACTCCAGTTTTAAGTCCTTCCCTTCCTGATATGTCTCTATCCACACATTCGTCTG-3'
Protein context (NP_000029.2, residues 2469-2489): SRPASPTRSQ[Ala2479Thr]QTPVLSPSLP